The following is an entry in ClinVar:

NM_001042603.3(KDM5A):c.4557A>T (p.Glu1519Asp)

Gene: KDM5A (lysine demethylase 5A; minus strand). Cytogenetic location: 12p13.33.
Variant type: single nucleotide variant.
Coding change: c.4557A>T on transcript NM_001042603.3 (MANE Select); coding-DNA position 4557, A replaced by T.
Protein change: p.Glu1519Asp; replaces glutamic acid 1519 with aspartic acid.
Molecular consequence: missense variant.
Genome position (GRCh38, 1-based): chr12:293,068, T>A on the plus strand (A>T on the coding strand, the complement: KDM5A is on the minus strand). VCF-style: chr12-293068-T-A. GRCh37 (hg19) VCF-style: chr12-402234-T-A.
Other names: short protein forms E1519D.
Identifiers: ClinVar variation 1803761 (VCV001803761.1), dbSNP rs2498165780, ClinGen allele CA383624218.

ClinVar aggregate classification (germline): Uncertain significance (1 of 4 stars; one submission).

Submission:

HudsonAlpha Institute for Biotechnology
Classification: Uncertain significance. Last evaluated: 2022-04-08. Review status: criteria provided, single submitter. Criteria: ACMG Guidelines, 2015. Collection method: research. Allele origin: de novo. Observed: 1 variant allele. Study: HudsonAlpha-AGHI-WGS.
Comment: ACMG codes:PM2